The following is an entry in ClinVar:

NM_005816.5(CD96):c.934del (p.Asp312fs)

Gene: CD96 (CD96 molecule; plus strand). Cytogenetic location: 3q13.2.
Variant type: Deletion.
Coding change: c.934del on transcript NM_005816.5 (MANE Select); coding-DNA position 934, one base deleted (G; older notation c.934delG).
Protein change: p.Asp312fs; shifts the reading frame from aspartic acid 312.
Molecular consequence: frameshift variant. On other transcripts: non-coding transcript variant (1).
Genome position (GRCh38, 1-based): chr3:111,600,761, G deleted. VCF-style (leftmost placement, unchanged base first): chr3-111600760-AG-A. GRCh37 (hg19) VCF-style: chr3-111319607-AG-A.
Other names: c.934del, p.Asp312fs (NM_001318889.2); c.982del, p.Asp328fs (NM_198196.3); short protein forms D312fs, D328fs.
Identifiers: ClinVar variation 1199409 (VCV001199409.4), dbSNP rs1937457440, ClinGen allele CA1393501476.

ClinVar aggregate classification (germline): Uncertain significance. Review status: criteria provided, multiple submitters, no conflicts (2 of 4 stars). 2 submissions from 2 submitters: Uncertain significance (2). Last evaluated 2021-04-28.

Conditions:
C syndrome. Also called: OPITZ TRIGONOCEPHALY SYNDROME; TRIGONOCEPHALY SYNDROME. Identifiers: Orphanet 1308, MedGen C0796095, MONDO:0008893, OMIM 211750.

Allele frequency attached by ClinVar (database versions not stated): TOPMed below 0.00001.

Submissions (2):

HudsonAlpha Institute for Biotechnology
Classification: Uncertain significance for C syndrome. Last evaluated: 2021-04-28. Review status: criteria provided, single submitter. Criteria: ACMG Guidelines, 2015. Collection method: research. Allele origin: unknown. Observed: 1 variant allele. Study: CSER-SouthSeq.
Comment: ACMG codes: PM2

Revvity Omics, Revvity
Classification: Uncertain significance for C syndrome. Last evaluated: 2021-04-20. Review status: criteria provided, single submitter. Criteria: ACMG Guidelines, 2015. Collection method: clinical testing. Allele origin: germline.